The following is an entry in ClinVar:

NM_001370259.2(MEN1):c.566A>C (p.Asn189Thr)

Gene: MEN1 (menin 1; minus strand). Cytogenetic location: 11q13.1.
Variant type: single nucleotide variant.
Coding change: c.566A>C on transcript NM_001370259.2 (MANE Select); coding-DNA position 566, A replaced by C.
Protein change: p.Asn189Thr; replaces asparagine 189 with threonine.
Molecular consequence: missense variant. On other transcripts: non-coding transcript variant (4), intron variant (5).
Genome position (GRCh38, 1-based): chr11:64,807,979, T>G on the plus strand (A>C on the coding strand, the complement: MEN1 is on the minus strand). VCF-style: chr11-64807979-T-G. GRCh37 (hg19) VCF-style: chr11-64575451-T-G.
Other names: c.581A>C, p.Asn194Thr (NM_000244.4, NM_001407145.1, NM_001407150.1 and 5 more transcripts); c.566A>C, p.Asn189Thr (NM_001370251.2, NM_001370260.2, NM_001370261.2 and 7 more transcripts); c.549+17A>C (NM_001407148.1, NM_001407149.1, NM_001407151.1 and 2 more transcripts); short protein forms N189T, N194T.
Identifiers: ClinVar variation 2450231 (VCV002450231.2), dbSNP rs587780844, ClinGen allele CA381185706.

ClinVar aggregate classification (germline): Uncertain significance (1 of 4 stars; one submission).

Conditions:
Hereditary cancer-predisposing syndrome. Also called: Neoplastic Syndromes, Hereditary; Tumor predisposition; Hereditary neoplastic syndrome; Hereditary Cancer Syndrome. Identifiers: Orphanet 140162, MedGen C0027672, MeSH D009386, MONDO:0015356.

Submission:

Ambry Genetics
Classification: Uncertain significance for Hereditary cancer-predisposing syndrome. Last evaluated: 2023-01-18. Review status: criteria provided, single submitter. Criteria: Ambry Variant Classification Scheme 2023. Collection method: clinical testing. Allele origin: germline.
Comment: The p.N189T variant (also known as c.566A>C), located in coding exon 2 of the MEN1 gene, results from an A to C substitution at nucleotide position 566. The asparagine at codon 189 is replaced by threonine, an amino acid with similar properties. This amino acid position is conserved. In addition, the in silico prediction for this alteration is inconclusive. Since supporting evidence is limited at this time, the clinical significance of this alteration remains unclear.